The following is an entry in ClinVar:

ClinVar aggregate classification (germline): Uncertain significance. Review status: criteria provided, multiple submitters, no conflicts (2 of 4 stars). 5 submissions from 5 submitters: Uncertain significance (5). Last evaluated 2025-07-28.

Conditions:
Hereditary cancer-predisposing syndrome. Also called: Hereditary neoplastic syndrome; Tumor predisposition; Neoplastic Syndromes, Hereditary; Hereditary Cancer Syndrome. Identifiers: Orphanet 140162, MedGen C0027672, MeSH D009386, MONDO:0015356.
Familial thoracic aortic aneurysm and aortic dissection (TAAD). Also called: Thoracic aortic aneurysms and dissections. Identifiers: Orphanet 91387, MedGen C4707243, MONDO:0019625.
Juvenile polyposis syndrome (JPS). Identifiers: Orphanet 2929, MedGen C0345893, MONDO:0017380, OMIM 174900.
Juvenile polyposis/hereditary hemorrhagic telangiectasia syndrome (JPHT). Also called: Juvenile Polyposis Syndrome / Hereditary Hemorrhagic Telangiectasia (JPS/HHT); JP/HHT SYNDROME; JUVENILE POLYPOSIS WITH HEREDITARY HEMORRHAGIC TELANGIECTASIA; POLYPOSIS, GENERALIZED JUVENILE, WITH PULMONARY ARTERIOVENOUS MALFORMATION; TELANGIECTASIA, HEREDITARY HEMORRHAGIC, WITH JUVENILE POLYPOSIS COLI. Identifiers: Orphanet 2929, MedGen C1832942, MONDO:0008278, OMIM 175050.

Allele frequency attached by ClinVar (database versions not stated): gnomAD exomes below 0.00001.
gnomAD v4.1: 3 of 1,613,698 alleles (0.00019%); highest among the groups gnomAD compares: East Asian, 0.0022%; no homozygotes.

Submissions (5):

Ambry Genetics
Classification: Uncertain significance for Hereditary cancer-predisposing syndrome; Familial thoracic aortic aneurysm and aortic dissection. Last evaluated: 2025-07-28. Review status: criteria provided, single submitter. Criteria: Ambry Variant Classification Scheme 2023. Collection method: clinical testing. Allele origin: germline.
Comment: The p.S171L variant (also known as c.512C>T), located in coding exon 4 of the SMAD4 gene, results from a C to T substitution at nucleotide position 512. The serine at codon 171 is replaced by leucine, an amino acid with dissimilar properties. This amino acid position is highly conserved in available vertebrate species. In addition, this alteration is predicted to be deleterious by in silico analysis. Based on the available evidence, the clinical significance of this variant remains unclear.

All of Us Research Program, National Institutes of Health
Classification: Uncertain significance for Juvenile polyposis/hereditary hemorrhagic telangiectasia syndrome. Last evaluated: 2024-04-16. Review status: criteria provided, single submitter. Criteria: ACMG Guidelines, 2015. Collection method: clinical testing. Allele origin: germline. Inheritance: Autosomal dominant inheritance. Observed: 1 variant allele, 1 heterozygote.
Comment: This missense variant replaces serine with leucine at codon 171 of the SMAD4 protein. Computational prediction suggests that this variant may not impact protein structure and function (internally defined REVEL score threshold <= 0.5, PMID: 27666373). To our knowledge, functional studies have not been reported for this variant. This variant has not been reported in individuals affected with SMAD4-related disorders in the literature. This variant has not been identified in the general population by the Genome Aggregation Database (gnomAD). The available evidence is insufficient to determine the role of this variant in disease conclusively. Therefore, this variant is classified as a Variant of Uncertain Significance.

This study involves interpretation of variants in research participants for the purpose of population health screening. Participant phenotype was not available at the time of variant classification. Additional details can be found in publication PMID: 35346344, PMCID: PMC8962531

Color Diagnostics, LLC DBA Color Health
Classification: Uncertain significance for Hereditary cancer-predisposing syndrome. Last evaluated: 2024-01-08. Review status: criteria provided, single submitter. Criteria: ACMG Guidelines, 2015. Collection method: clinical testing. Allele origin: germline.
Comment: This missense variant replaces serine with leucine at codon 171 of the SMAD4 protein. Computational prediction suggests that this variant may not impact protein structure and function (internally defined REVEL score threshold <= 0.5, PMID: 27666373). To our knowledge, functional studies have not been reported for this variant. This variant has not been reported in individuals affected with SMAD4-related disorders in the literature. This variant has not been identified in the general population by the Genome Aggregation Database (gnomAD). The available evidence is insufficient to determine the role of this variant in disease conclusively. Therefore, this variant is classified as a Variant of Uncertain Significance.

Labcorp Genetics (formerly Invitae), Labcorp
Classification: Uncertain significance for Juvenile polyposis syndrome. Last evaluated: 2022-05-02. Review status: criteria provided, single submitter. Criteria: Invitae Variant Classification Sherloc (09022015). Collection method: clinical testing. Allele origin: germline.
Comment: This sequence change replaces serine, which is neutral and polar, with leucine, which is neutral and non-polar, at codon 171 of the SMAD4 protein (p.Ser171Leu). This variant is not present in population databases (gnomAD no frequency). This variant has not been reported in the literature in individuals affected with SMAD4-related conditions. ClinVar contains an entry for this variant (Variation ID: 567445). Advanced modeling of protein sequence and biophysical properties (such as structural, functional, and spatial information, amino acid conservation, physicochemical variation, residue mobility, and thermodynamic stability) performed at Invitae indicates that this missense variant is not expected to disrupt SMAD4 protein function. In summary, the available evidence is currently insufficient to determine the role of this variant in disease. Therefore, it has been classified as a Variant of Uncertain Significance.

Sema4
Classification: Uncertain significance for Hereditary cancer-predisposing syndrome. Last evaluated: 2021-07-28. Review status: criteria provided, single submitter. Criteria: Sema4 Curation Guidelines. Collection method: curation. Allele origin: germline.
Comment: To the best of our knowledge, the SMAD4 c.512C>T (p.S171L) variant has not been reported in individuals with SMAD4-related disease. This variant is not reported in the population database Genome Aggregation Database (PMID: 32461654) but has been reported in ClinVar (Variation ID: 567445). Functional studies have not been performed and in silico predictions of the variant's effect on protein function are inconclusive. Based on the current evidence available, this variant is interpreted as a variant of uncertain significance.

NM_005359.6(SMAD4):c.512C>T (p.Ser171Leu)

Gene: SMAD4 (SMAD family member 4; plus strand). Cytogenetic location: 18q21.2.
Variant type: single nucleotide variant.
Coding change: c.512C>T on transcript NM_005359.6 (MANE Select); coding-DNA position 512, C replaced by T.
Protein change: p.Ser171Leu; replaces serine 171 with leucine.
Molecular consequence: missense variant.
Genome position (GRCh38, 1-based): chr18:51,054,838, C>T. VCF-style: chr18-51054838-C-T. GRCh37 (hg19) VCF-style: chr18-48581208-C-T.
Other names: short protein forms S171L.
Identifiers: ClinVar variation 567445 (VCV000567445.14), dbSNP rs1568205010, ClinGen allele CA402460770.